The following is an entry in ClinVar:

NM_004369.4(COL6A3):c.4047C>A (p.Asp1349Glu)

Gene: COL6A3 (collagen type VI alpha 3 chain; minus strand). Cytogenetic location: 2q37.3.
Variant type: single nucleotide variant.
Coding change: c.4047C>A on transcript NM_004369.4 (MANE Select); coding-DNA position 4047, C replaced by A.
Protein change: p.Asp1349Glu; replaces aspartic acid 1349 with glutamic acid.
Molecular consequence: missense variant.
Genome position (GRCh38, 1-based): chr2:237,371,970, G>T on the plus strand (C>A on the coding strand, the complement: COL6A3 is on the minus strand). VCF-style: chr2-237371970-G-T. GRCh37 (hg19) VCF-style: chr2-238280613-G-T.
Other names: c.2826C>A, p.Asp942Glu (NM_057164.5); c.3429C>A, p.Asp1143Glu (NM_057165.5, NM_057167.4); c.2226C>A, p.Asp742Glu (NM_057166.5); short protein forms D1143E, D1349E, D742E, D942E.
Identifiers: ClinVar variation 3342019 (VCV003342019.16).
Genomic context (GRCh38, chr2:237,371,970, plus strand): 5'-GATCGTGAAAGGGGCCACGCCAAACTGCTTGAGCTCCACCGCCGGGTCGTCCACCTCATC[G>T]TCAGACTTTCCAGACGAGATGAGGACCAGGAACTGCGGGACGCCCTCTTCAATGCGGCTC-3'
Protein context (NP_004360.2, residues 1339-1359): FLVLISSGKS[Asp1349Glu]DEVDDPAVEL

ClinVar aggregate classification (germline): Uncertain significance (1 of 4 stars; one submission).

Submission:

CeGaT Center for Human Genetics Tuebingen
Classification: Uncertain significance. Last evaluated: 2024-08-01. Review status: criteria provided, single submitter. Criteria: CeGaT Center For Human Genetics Tuebingen Variant Classification Criteria Version 2. Collection method: clinical testing. Allele origin: germline. Affected: yes. Observed: 1 variant allele.
Comment: COL6A3: PM2, BP4